The following is an entry in ClinVar:

ClinVar aggregate classification (germline): Likely benign. Review status: criteria provided, single submitter (1 of 4 stars). 2 submissions from 2 submitters: Likely benign (1). 1 of the submissions does not count toward it. Last evaluated 2024-03-01.

Conditions:
USH2A-related disorder. Also called: USH2A-related condition; USH2A-related disorders. Identifiers: MedGen CN239332.

Allele frequency attached by ClinVar (database versions not stated): gnomAD 0.00002 and 0.00001; TOPMed below 0.00001.
gnomAD v4.1: 5 of 1,613,990 alleles (0.00031%); highest among the groups gnomAD compares: Admixed American, 0.0033%; no homozygotes.

Submissions (2):

Labcorp Genetics (formerly Invitae), Labcorp
Classification: Likely benign. Last evaluated: 2024-03-01. Review status: criteria provided, single submitter. Criteria: Invitae Variant Classification Sherloc (09022015). Collection method: clinical testing. Allele origin: germline.

PreventionGenetics, part of Exact Sciences
Classification: Likely benign for USH2A-related condition. Last evaluated: 2024-09-25. Review status: no assertion criteria provided. Collection method: clinical testing. Allele origin: germline. Not counted in ClinVar's aggregate classification.
Comment: This variant is classified as likely benign based on ACMG/AMP sequence variant interpretation guidelines (Richards et al. 2015 PMID: 25741868, with internal and published modifications).

NM_206933.4(USH2A):c.13107C>T (p.Ala4369=)

Gene: USH2A (usherin; minus strand). Cytogenetic location: 1q41.
Variant type: single nucleotide variant.
Coding change: c.13107C>T on transcript NM_206933.4 (MANE Select); coding-DNA position 13107, C replaced by T.
Protein change: p.Ala4369=; no amino-acid change (alanine 4369 retained).
Molecular consequence: synonymous variant.
Genome position (GRCh38, 1-based): chr1:215,674,804, G>A on the plus strand (C>T on the coding strand, the complement: USH2A is on the minus strand). VCF-style: chr1-215674804-G-A. GRCh37 (hg19) VCF-style: chr1-215848146-G-A.
Other names: c.13107C>T (NM_206933.2).
Identifiers: ClinVar variation 1086327 (VCV001086327.10), dbSNP rs898159946, ClinGen allele CA37412719.